The following is an entry in ClinVar:

ClinVar aggregate classification (germline): Uncertain significance (1 of 4 stars; one submission).

gnomAD v4.1: 1 of 1,589,988 alleles (0.000063%); highest among the groups gnomAD compares: Non-Finnish European, 0.000085%; no homozygotes.

Submission:

Ambry Genetics
Classification: Uncertain significance. Last evaluated: 2025-10-27. Review status: criteria provided, single submitter. Criteria: Ambry Variant Classification Scheme 2023. Collection method: clinical testing. Allele origin: germline.
Comment: The p.F200L variant (also known as c.598T>C), located in coding exon 5 of the RECQL gene, results from a T to C substitution at nucleotide position 598. The phenylalanine at codon 200 is replaced by leucine, an amino acid with highly similar properties. This amino acid position is conserved. In addition, this alteration is predicted to be tolerated by in silico analysis. Based on the available evidence, the clinical significance of this variant remains unclear.

NM_002907.4(RECQL):c.598T>C (p.Phe200Leu)

Gene: RECQL (RecQ like helicase; minus strand). Cytogenetic location: 12p12.1.
Variant type: single nucleotide variant.
Coding change: c.598T>C on transcript NM_002907.4 (MANE Select); coding-DNA position 598, T replaced by C.
Protein change: p.Phe200Leu; replaces phenylalanine 200 with leucine.
Molecular consequence: missense variant.
Genome position (GRCh38, 1-based): chr12:21,483,478, A>G on the plus strand (T>C on the coding strand, the complement: RECQL is on the minus strand). VCF-style: chr12-21483478-A-G. GRCh37 (hg19) VCF-style: chr12-21636412-A-G.
Other names: c.598T>C, p.Phe200Leu (NM_032941.3); short protein forms F200L.
Identifiers: ClinVar variation 4576945 (VCV004576945.1).